The following is an entry in ClinVar:

ClinVar aggregate classification (germline): Uncertain significance. Review status: criteria provided, multiple submitters, no conflicts (2 of 4 stars). 2 submissions from 2 submitters: Uncertain significance (2). Last evaluated 2025-04-03.

Conditions:
Inborn genetic diseases. Identifiers: MedGen C0950123, MeSH D030342.

Allele frequency attached by ClinVar (database versions not stated): ESP Exome Variant Server 0.00008; ExAC 0.00002.
gnomAD v4.1: 120 of 1,582,184 alleles (0.0076%); highest among the groups gnomAD compares: Non-Finnish European, 0.01%; no homozygotes.

Submissions (2):

Ambry Genetics
Classification: Uncertain significance for Inborn genetic diseases. Last evaluated: 2025-04-03. Review status: criteria provided, single submitter. Criteria: Ambry Variant Classification Scheme 2023. Collection method: clinical testing. Allele origin: germline.

Labcorp Genetics (formerly Invitae), Labcorp
Classification: Uncertain significance. Last evaluated: 2022-06-16. Review status: criteria provided, single submitter. Criteria: Invitae Variant Classification Sherloc (09022015). Collection method: clinical testing. Allele origin: germline.
Comment: This sequence change replaces threonine, which is neutral and polar, with arginine, which is basic and polar, at codon 240 of the GP6 protein (p.Thr240Arg). This variant is present in population databases (rs201917182, gnomAD 0.008%). This variant has not been reported in the literature in individuals affected with GP6-related conditions. Algorithms developed to predict the effect of missense changes on protein structure and function are either unavailable or do not agree on the potential impact of this missense change (SIFT: "Deleterious"; PolyPhen-2: "Probably Damaging"; Align-GVGD: "Class C0"). In summary, the available evidence is currently insufficient to determine the role of this variant in disease. Therefore, it has been classified as a Variant of Uncertain Significance.

NM_016363.5(GP6):c.719C>G (p.Thr240Arg)

Gene: GP6 (glycoprotein VI platelet; minus strand). Cytogenetic location: 19q13.42.
Variant type: single nucleotide variant.
Coding change: c.719C>G on transcript NM_016363.5 (MANE Select); coding-DNA position 719, C replaced by G.
Protein change: p.Thr240Arg; replaces threonine 240 with arginine.
Molecular consequence: missense variant.
Genome position (GRCh38, 1-based): chr19:55,018,657, G>C on the plus strand (C>G on the coding strand, the complement: GP6 is on the minus strand). VCF-style: chr19-55018657-G-C. GRCh37 (hg19) VCF-style: chr19-55530025-G-C.
Other names: c.719C>G, p.Thr240Arg (NM_001083899.2); c.665C>G, p.Thr222Arg (NM_001256017.2); c.719C>G (NM_001083899.1); short protein forms T222R, T240R.
Identifiers: ClinVar variation 2071118 (VCV002071118.4), dbSNP rs201917182, ClinGen allele CA310123415.
Genomic context (GRCh38, chr19:55,018,657, plus strand): 5'-GAGAGCTCCGTCCTCACACTCCTTTCTGCTGAGCATGAAATGCCTGGTTACTCACCAGTT[G>C]TGAAGACTTCGTTTGTGAATGAGACGGTCAGTTCAGCGGTGGCTTCTGAGAATTCTAAGA-3'
Protein context (NP_057447.5, residues 230-250): LTVSFTNEVF[Thr240Arg]TETSRSITAS